The following is an entry in ClinVar:

NM_001851.6(COL9A1):c.1926+300T>C

Gene: COL9A1 (collagen type IX alpha 1 chain; minus strand). Cytogenetic location: 6q13.
Variant type: single nucleotide variant.
Coding change: c.1926+300T>C on transcript NM_001851.6 (MANE Select); 300 bases into the intron after coding-DNA position 1926, T replaced by C.
Molecular consequence: intron variant.
Genome position (GRCh38, 1-based): chr6:70,242,362, A>G on the plus strand (T>C on the coding strand, the complement: COL9A1 is on the minus strand). VCF-style: chr6-70242362-A-G. GRCh37 (hg19) VCF-style: chr6-70952065-A-G.
Other names: c.1197+300T>C (NM_001377290.1, NM_078485.4); c.1227+300T>C (NM_001377289.1).
Identifiers: ClinVar variation 669637 (VCV000669637.1), dbSNP rs75350484, ClinGen allele CA16268443.

ClinVar aggregate classification (germline): Benign (1 of 4 stars; one submission).

Allele frequency attached by ClinVar (database versions not stated): 1000 Genomes Project 30x 0.02873; 1000 Genomes Project 0.02895; TOPMed 0.04254; gnomAD 0.04778 and 0.04823.
gnomAD v4.1: 7,269 of 152,216 alleles (4.8%); highest among the groups gnomAD compares: Non-Finnish European, 7.4%; 244 homozygotes.

Submission:

GeneDx
Classification: Benign. Last evaluated: 2018-06-14. Review status: criteria provided, single submitter. Criteria: GeneDx Variant Classification (06012015). Collection method: clinical testing. Allele origin: germline. Affected: yes.
Comment: This variant is considered likely benign or benign based on one or more of the following criteria: it is a conservative change, it occurs at a poorly conserved position in the protein, it is predicted to be benign by multiple in silico algorithms, and/or has population frequency not consistent with disease.